The following is an entry in ClinVar:

ClinVar aggregate classification (germline): Uncertain significance (1 of 4 stars; one submission).

Conditions:
Charcot-Marie-Tooth disease type 2R. Also called: Charcot-Marie-Tooth disease, axonal, type 2R; CHARCOT-MARIE-TOOTH DISEASE, AXONAL, AUTOSOMAL RECESSIVE, TYPE 2R; CHARCOT-MARIE-TOOTH NEUROPATHY, TYPE 2R. Identifiers: Orphanet 397968, MedGen C3809655, MONDO:0014208, OMIM 615490.

Allele frequency attached by ClinVar (database versions not stated): TOPMed below 0.00001; ExAC 0.00001; gnomAD 0.00001; gnomAD exomes 0.00001.
gnomAD v4.1: 17 of 1,613,830 alleles (0.0011%); highest among the groups gnomAD compares: Non-Finnish European, 0.0014%; no homozygotes.

Submission:

Labcorp Genetics (formerly Invitae), Labcorp
Classification: Uncertain significance for Charcot-Marie-Tooth disease type 2R. Last evaluated: 2022-12-03. Review status: criteria provided, single submitter. Criteria: Invitae Variant Classification Sherloc (09022015). Collection method: clinical testing. Allele origin: germline.
Comment: In summary, the available evidence is currently insufficient to determine the role of this variant in disease. Therefore, it has been classified as a Variant of Uncertain Significance. Algorithms developed to predict the effect of missense changes on protein structure and function are either unavailable or do not agree on the potential impact of this missense change (SIFT: "Deleterious"; PolyPhen-2: "Benign"; Align-GVGD: "Class C0"). This variant has not been reported in the literature in individuals affected with TRIM2-related conditions. This variant is present in population databases (rs769388262, gnomAD 0.002%). This sequence change replaces serine, which is neutral and polar, with threonine, which is neutral and polar, at codon 345 of the TRIM2 protein (p.Ser345Thr).

NM_015271.5(TRIM2):c.1114T>A (p.Ser372Thr)

Gene: TRIM2 (tripartite motif containing 2; plus strand). Cytogenetic location: 4q31.3.
Variant type: single nucleotide variant.
Coding change: c.1114T>A on transcript NM_015271.5 (MANE Select); coding-DNA position 1114, T replaced by A.
Protein change: p.Ser372Thr; replaces serine 372 with threonine.
Molecular consequence: missense variant.
Genome position (GRCh38, 1-based): chr4:153,295,640, T>A. VCF-style: chr4-153295640-T-A. GRCh37 (hg19) VCF-style: chr4-154216792-T-A.
Other names: c.1084T>A, p.Ser362Thr (NM_001351055.2); c.1033T>A, p.Ser345Thr (NM_001351056.2, NM_001375512.1, NM_001375513.1 and 5 more transcripts); c.658T>A, p.Ser220Thr (NM_001351057.2); c.1207T>A, p.Ser403Thr (NM_001375488.1); c.1204T>A, p.Ser402Thr (NM_001375489.1); c.1057T>A, p.Ser353Thr (NM_001375490.1); c.1054T>A, p.Ser352Thr (NM_001375491.1); c.1087T>A, p.Ser363Thr (NM_001351054.2); and 3 more; short protein forms S363T, S345T, S353T, S372T, S402T, S220T, S259T, S403T.
Identifiers: ClinVar variation 2919403 (VCV002919403.3), dbSNP rs769388262, ClinGen allele CA3108688.
Genomic context (GRCh38, chr4:153,295,640, plus strand): 5'-GCCTCAGAGACAGTGGCCACGGGCGAGGGGCTGCGGCAGACCATCATCGGGCAGCCCATG[T>A]CCGTCACCATCACCACCAAGGACAAAGACGGTGAGCTGTGCAAAACCGGCAACGCCTACC-3'
Protein context (NP_056086.2, residues 362-382): LRQTIIGQPM[Ser372Thr]VTITTKDKDG